The following is an entry in ClinVar:

ClinVar aggregate classification (germline): Uncertain significance. Review status: criteria provided, multiple submitters, no conflicts (2 of 4 stars). 2 submissions from 2 submitters: Uncertain significance (2). Last evaluated 2023-09-14.

Allele frequency attached by ClinVar (database versions not stated): TOPMed below 0.00001.

Submissions (2):

Blueprint Genetics
Classification: Uncertain significance. Last evaluated: 2023-09-14. Review status: criteria provided, single submitter. Criteria: ACMG Guidelines, 2015. Collection method: clinical testing. Allele origin: germline.

GeneDx
Classification: Uncertain significance. Last evaluated: 2017-07-14. Review status: criteria provided, single submitter. Criteria: GeneDx Variant Classification (06012015). Collection method: clinical testing. Allele origin: germline. Affected: yes.
Comment: The E170V variant in the TSPAN12 gene has not been reported previously as a pathogenic variant, nor as a benign variant, to our knowledge. The E170V variant is not observed in large population cohorts (Lek et al., 2016; 1000 Genomes Consortium et al., 2015; Exome Variant Server). The E170V variant is a non-conservative amino acid substitution, which is likely to impact secondary protein structure as these residues differ in polarity, charge, size and/or other properties. This substitution occurs at a position that is conserved across species. In silico analysis predicts this variant is probably damaging to the protein structure/function. We interpret E170V as a variant of uncertain significance.

NM_012338.4(TSPAN12):c.509A>T (p.Glu170Val)

Gene: TSPAN12 (tetraspanin 12; minus strand). Cytogenetic location: 7q31.31.
Variant type: single nucleotide variant.
Coding change: c.509A>T on transcript NM_012338.4 (MANE Select); coding-DNA position 509, A replaced by T.
Protein change: p.Glu170Val; replaces glutamic acid 170 with valine.
Molecular consequence: missense variant.
Genome position (GRCh38, 1-based): chr7:120,806,652, T>A on the plus strand (A>T on the coding strand, the complement: TSPAN12 is on the minus strand). VCF-style: chr7-120806652-T-A. GRCh37 (hg19) VCF-style: chr7-120446706-T-A.
Other names: short protein forms E170V.
Identifiers: ClinVar variation 450246 (VCV000450246.3), dbSNP rs1424477385, ClinGen allele CA369136408.